The following is an entry in ClinVar:

NM_001365951.3(KIF1B):c.4536G>C (p.Leu1512Phe)

Gene: KIF1B (kinesin family member 1B; plus strand). Cytogenetic location: 1p36.22.
Variant type: single nucleotide variant.
Coding change: c.4536G>C on transcript NM_001365951.3 (MANE Select); coding-DNA position 4536, G replaced by C.
Protein change: p.Leu1512Phe; replaces leucine 1512 with phenylalanine.
Molecular consequence: missense variant.
Genome position (GRCh38, 1-based): chr1:10,365,432, G>C. VCF-style: chr1-10365432-G-C. GRCh37 (hg19) VCF-style: chr1-10425490-G-C.
Other names: c.4536G>C, p.Leu1512Phe (NM_001365952.1); c.4398G>C, p.Leu1466Phe (NM_015074.3); short protein forms L1512F, L1466F.
Identifiers: ClinVar variation 4716129 (VCV004716129.1).

ClinVar aggregate classification (germline): Uncertain significance (1 of 4 stars; one submission).

Conditions:
Charcot-Marie-Tooth disease type 2. Also called: Charcot-Marie-Tooth type 2. Identifiers: Orphanet 64746, MedGen C0270914, MONDO:0018993.

Submission:

Labcorp Genetics (formerly Invitae), Labcorp
Classification: Uncertain significance for Charcot-Marie-Tooth disease type 2. Last evaluated: 2025-03-26. Review status: criteria provided, single submitter. Criteria: Invitae Variant Classification Sherloc (09022015). Collection method: clinical testing. Allele origin: germline.
Comment: This sequence change replaces leucine, which is neutral and non-polar, with phenylalanine, which is neutral and non-polar, at codon 1466 of the KIF1B protein (p.Leu1466Phe). This variant is not present in population databases (gnomAD no frequency). This variant has not been reported in the literature in individuals affected with KIF1B-related conditions. An algorithm developed to predict the effect of missense changes on protein structure and function (PolyPhen-2) suggests that this variant is likely to be disruptive. In summary, the available evidence is currently insufficient to determine the role of this variant in disease. Therefore, it has been classified as a Variant of Uncertain Significance.